The following is an entry in ClinVar:

ClinVar aggregate classification (germline): Uncertain significance (1 of 4 stars; one submission).

Conditions:
Neurofibromatosis, type 2 (SWNV). Also called: NF2-Related Schwannomatosis; BILATERAL ACOUSTIC NEUROFIBROMATOSIS; SCHWANNOMATOSIS, VESTIBULAR. Identifiers: Orphanet 637, MedGen C0027832, MONDO:0007039, OMIM 101000. Disease mechanism: loss of function.

Submission:

Labcorp Genetics (formerly Invitae), Labcorp
Classification: Uncertain significance for Neurofibromatosis, type 2. Last evaluated: 2018-04-03. Review status: criteria provided, single submitter. Criteria: Invitae Variant Classification Sherloc (09022015). Collection method: clinical testing. Allele origin: germline.
Comment: This sequence change affects codon 225 of the NF2 mRNA. It is a 'silent' change, meaning that it does not change the encoded amino acid sequence of the NF2 protein. This variant also falls at the last nucleotide of exon 7 of the NF2 coding sequence, which is part of the consensus splice site for this exon. This variant is not present in population databases (ExAC no frequency). This variant has not been reported in the literature in individuals with NF2-related disease. Nucleotide substitutions within the consensus splice site are a relatively common cause of aberrant splicing (PMID: 17576681, 9536098). Algorithms developed to predict the effect of sequence changes on RNA splicing suggest that this variant may disrupt the consensus splice site, but this prediction has not been confirmed by published transcriptional studies. In summary, the available evidence is currently insufficient to determine the role of this variant in disease. Therefore, it has been classified as a Variant of Uncertain Significance.

Literature cited by the submitters: PubMed 17576681; PubMed 9536098.

NM_000268.4(NF2):c.675G>T (p.Arg225=)

Gene: NF2 (NF2, moesin-ezrin-radixin like (MERLIN) tumor suppressor; plus strand). Cytogenetic location: 22q12.2.
Variant type: single nucleotide variant.
Coding change: c.675G>T on transcript NM_000268.4 (MANE Select); coding-DNA position 675, G replaced by T.
Protein change: p.Arg225=; no amino-acid change (arginine 225 retained).
Molecular consequence: synonymous variant. On other transcripts: non-coding transcript variant (1), intron variant (1).
Genome position (GRCh38, 1-based): chr22:29,658,264, G>T. VCF-style: chr22-29658264-G-T. GRCh37 (hg19) VCF-style: chr22-30054253-G-T.
Other names: c.675G>T, p.Arg225= (NM_016418.5, NM_181825.3, NM_181832.3); c.549G>T, p.Arg183= (NM_181828.3); c.552G>T, p.Arg184= (NM_181829.3); c.426G>T, p.Arg142= (NM_181830.3, NM_181831.3); c.447+15979G>T (NM_181833.3).
Identifiers: ClinVar variation 574605 (VCV000574605.7), dbSNP rs1569295986, ClinGen allele CA514182846.